The following is an entry in ClinVar:

NC_012920.1(MT-ATP8):m.8373A>G

Gene: MT-ATP8 (mitochondrially encoded ATP synthase 8; plus strand).
Variant type: single nucleotide variant.
Genome position: chrM-8373-A-G.
Identifiers: ClinVar variation 692834 (VCV000692834.1), dbSNP rs1603221431, ClinGen allele CA414795827.

ClinVar aggregate classification (germline): Uncertain significance (1 of 4 stars; one submission).

Conditions:
Leigh syndrome (NULS). Also called: Leigh's necrotizing encephalopathy; Leigh's disease; Leigh Syndrome (mtDNA deletion); Leigh Disease; Subacute necrotizing encephalopathy; Necrotizing encephalopathy infantile subacute of Leigh. Identifiers: Orphanet 506, MedGen C2931891, MONDO:0009723, OMIM 256000.

Submission:

Wong Mito Lab, Molecular and Human Genetics, Baylor College of Medicine
Classification: Uncertain significance for Leigh syndrome. Last evaluated: 2019-10-17. Review status: criteria provided, single submitter. Criteria: Modified ACMG Guidelines (Unpublished). Collection method: clinical testing. Allele origin: germline.
Comment: The NC_012920.1:m.8373A>G (YP_003024030.1:p.Gln3Arg) variant in MTATP8 gene is interpretated to be a Uncertain Significance variant based on the modified ACMG guidelines (unpublished). This variant meets the following evidence codes: PM9, PP6, PP7